The following is an entry in ClinVar:

ClinVar aggregate classification (germline): Likely pathogenic (1 of 4 stars; one submission).

Conditions:
Polycystic kidney disease, adult type (PKD1). Also called: Polycystic Kidney Disease 1, Autosomal Dominant; Polycystic kidney disease 1; Polycystic kidney disease 1, severe; Polycystic Kidney, Autosomal Dominant; POLYCYSTIC KIDNEY DISEASE 1 WITH OR WITHOUT POLYCYSTIC LIVER DISEASE; POLYCYSTIC KIDNEY DISEASE, ADULT, TYPE I. Identifiers: MedGen C3149841, MONDO:0008263, OMIM 173900.

Submission:

Victorian Clinical Genetics Services, Murdoch Childrens Research Institute
Classification: Likely pathogenic for Polycystic kidney disease, adult type. Last evaluated: 2022-02-02. Review status: criteria provided, single submitter. Criteria: ACMG Guidelines, 2015. Collection method: clinical testing. Allele origin: germline. Inheritance: Autosomal dominant inheritance. Affected: yes.
Comment: Based on the classification scheme VCGS_Germline_v1.3.4, this variant is classified as Likely Pathogenic. Following criteria are met: 0102 - Loss of function is a known mechanism of disease in this gene and is associated with polycystic kidney disease 1 (MIM#173900). (I) 0107 - This gene is associated with autosomal dominant disease. Polycystic kidney disease 1 (MIM#173900) is predominantly caused by monoallelic variants, with rare reports of biallelic variants causing disease (OMIM). (I) 0200 - Variant is predicted to result in a missense amino acid change from aspartic acid to tyrosine. (I) 0251 - This variant is heterozygous. (I) 0301 - Variant is absent from gnomAD (both v2 and v3). (SP) 0309 - An alternative amino acid change at the same position has been observed in gnomAD (v2) (1 heterozygote, 0 homozygotes). (I) 0501 - Missense variant consistently predicted to be damaging by multiple in silico tools or highly conserved with a major amino acid change. (SP) 0600 - Variant is located in the annotated PLAT domain (NCBI, Uniprot). (I) 0704 - Another variant comparable to the one identified in this case has limited previous evidence for pathogenicity. An inframe deletion of this residue (p.Asp3187del) has been reported as likely pathogenic. It has been observed in a family with polycystic kidney disease (PKD), and another individual with renal cysts (VCGS, LOVD, PMID: 27499327, PMID: 29338003). An alternative missense change at the same position (p.Asp3187Glu) has also been reported in an individual with PKD, however, this individual had an additional missense variant. This alternative missense variant has been classified as both likely pathogenic and indeterminate/VUS (LOVD. PMID: 22383692). (SP) 0807 - This variant has no previous evidence of pathogenicity. (I) 0906 - Segregation evidence for this variant is inconclusive. (I) 1007 - No published functional evidence has been identified for this variant. (I) 1102 - Strong phenotype match for this individual. (SP) 1208 - Inheritance information for this variant is not currently available in this individual. (I) Legend: (SP) - Supporting pathogenic, (I) - Information, (SB) - Supporting benign

Literature cited by the submitters: PubMed 22383692; PubMed 27499327; PubMed 29338003.

NM_001009944.3(PKD1):c.9559G>T (p.Asp3187Tyr)

Gene: PKD1 (polycystin 1, transient receptor potential channel interacting; minus strand). Cytogenetic location: 16p13.3.
Variant type: single nucleotide variant.
Coding change: c.9559G>T on transcript NM_001009944.3 (MANE Select); coding-DNA position 9559, G replaced by T.
Protein change: p.Asp3187Tyr; replaces aspartic acid 3187 with tyrosine.
Molecular consequence: missense variant.
Genome position (GRCh38, 1-based): chr16:2,100,405, C>A on the plus strand (G>T on the coding strand, the complement: PKD1 is on the minus strand). VCF-style: chr16-2100405-C-A. GRCh37 (hg19) VCF-style: chr16-2150406-C-A.
Other names: c.9559G>T, p.Asp3187Tyr (NM_000296.4); short protein forms D3187Y.
Identifiers: ClinVar variation 1806190 (VCV001806190.1), dbSNP rs754938191, ClinGen allele CA394355816.